The following is an entry in ClinVar:

Single allele

Genes: LINC02316 (long intergenic non-protein coding RNA 2316; minus strand), LINC02328 (long intergenic non-protein coding RNA 2328; plus strand). Cytogenetic location: 14q31.3.
Variant type: Deletion.
Identifiers: ClinVar variation 157317 (VCV000157317.2).

ClinVar aggregate classification (germline): not provided (0 of 4 stars; one submission).

Conditions:
Small for gestational age. Also called: Low birth weight. Identifiers: MedGen C0235991, HP:0001518.

Submission:

Institute of Molecular and Cell Biology, University of Tartu
No classification provided. Condition: Small for gestational age. Review status: no classification provided. Collection method: case-control. Allele origin: unknown. Affected: yes. Study: Kasak2014.
Comment: The study aimed to determine the contribution of copy number variants in the genetic etiology of normal and complicated pregnancies. The samples represented (i) maternal blood DNA drawn from healthy pregnant women during 1st or 2nd trimester and (ii) maternal and paternal blood DNA drawn at term pregnancy cases representing normal and complicated gestations (severe preeclampsia, PE; gestational diabetes, GD; small-for-gestational age newborn, SGA; large-for-gestational age newborn, LGA). We performed CNV calling based on genome-wide genotyping dataset (Illumina HumanOmniExpress-24-v1 BeadChip) by applying three algorithms, QuantiSNP, GADA (Genome Alteration Detection Algorithm) and CNstream in parallel. The acquired CNV calls were merged with HD-CNV (Hotspot Detector for Copy Number Variants) program and only the CNVs predicted by at least two programs, were considered in subsequent analysis.

Literature cited by the submitters: PubMed 25666259.